The following is an entry in ClinVar:

NM_004036.5(ADCY3):c.1635G>A (p.Ser545=)

Gene: ADCY3 (adenylate cyclase 3; minus strand). Cytogenetic location: 2p23.3.
Variant type: single nucleotide variant.
Coding change: c.1635G>A on transcript NM_004036.5 (MANE Select); coding-DNA position 1635, G replaced by A.
Protein change: p.Ser545=; no amino-acid change (serine 545 retained).
Molecular consequence: synonymous variant.
Genome position (GRCh38, 1-based): chr2:24,836,944, C>T on the plus strand (G>A on the coding strand, the complement: ADCY3 is on the minus strand). VCF-style: chr2-24836944-C-T. GRCh37 (hg19) VCF-style: chr2-25059813-C-T.
Other names: c.1635G>A, p.Ser545= (NM_001320613.2, NM_001377129.1, NM_001377130.1 and 1 more transcripts); c.1701G>A, p.Ser567= (NM_001377128.1); c.912G>A, p.Ser304= (NM_001377131.1).
Identifiers: ClinVar variation 3030507 (VCV003030507.2), dbSNP rs755491939, ClinGen allele CA1554063.
Genomic context (GRCh38, chr2:24,836,944, plus strand): 5'-TCAGTGACCCCCTGCCCTGAGCCCTGCACATACCTGGGCATCCTGCTCCTCGGGCTTCTC[C>T]GACGTGGACCCACTGCTGTGGGCACTCCCGTTGGGCTCCTTGGTCTCAATGAGGGCAGGG-3'
Protein context (NP_004027.2, residues 535-555): NGSAHSSGST[Ser545=]EKPEEQDAQA

ClinVar aggregate classification (germline): Likely benign (0 of 4 stars; one submission).

Conditions:
ADCY3-related disorder. Also called: ADCY3-related condition.

Allele frequency attached by ClinVar (database versions not stated): ExAC 0.00002; gnomAD 0.00002; gnomAD exomes 0.00002; TOPMed 0.00002.
gnomAD v4.1: 37 of 1,613,422 alleles (0.0023%); highest among the groups gnomAD compares: Middle Eastern, 0.018%; no homozygotes.

Submission:

PreventionGenetics, part of Exact Sciences
Classification: Likely benign for ADCY3-related condition. Last evaluated: 2021-03-25. Review status: no assertion criteria provided. Collection method: clinical testing. Allele origin: germline.
Comment: This variant is classified as likely benign based on ACMG/AMP sequence variant interpretation guidelines (Richards et al. 2015 PMID: 25741868, with internal and published modifications).